The following is an entry in ClinVar:

ClinVar aggregate classification (germline): Uncertain significance (1 of 4 stars; one submission).

Conditions:
Klippel-Feil anomaly-myopathy-facial dysmorphism syndrome. Also called: Klippel-Feil syndrome 4, autosomal recessive, with myopathy and facial dysmorphism; Klippel-feil syndrome 4, autosomal recessive, with nemaline myopathy and facial dysmorphism. Identifiers: Orphanet 447974, MedGen C4225285, MONDO:0014689, OMIM 616549.

Submission:

Labcorp Genetics (formerly Invitae), Labcorp
Classification: Uncertain significance. Last evaluated: 2022-07-06. Review status: criteria provided, single submitter. Criteria: Invitae Variant Classification Sherloc (09022015). Collection method: clinical testing. Allele origin: germline.
Comment: In summary, the available evidence is currently insufficient to determine the role of this variant in disease. Therefore, it has been classified as a Variant of Uncertain Significance. Algorithms developed to predict the effect of missense changes on protein structure and function are either unavailable or do not agree on the potential impact of this missense change (SIFT: "Not Available"; PolyPhen-2: "Probably Damaging"; Align-GVGD: "Not Available"). ClinVar contains an entry for this variant (Variation ID: 1475479). This variant has not been reported in the literature in individuals affected with MYO18B-related conditions. This variant is not present in population databases (gnomAD no frequency). This sequence change replaces isoleucine, which is neutral and non-polar, with threonine, which is neutral and polar, at codon 1972 of the MYO18B protein (p.Ile1972Thr).

NM_032608.7(MYO18B):c.5915T>C (p.Ile1972Thr)

Gene: MYO18B (myosin XVIIIB; plus strand). Cytogenetic location: 22q12.1.
Variant type: single nucleotide variant.
Coding change: c.5915T>C on transcript NM_032608.7 (MANE Select); coding-DNA position 5915, T replaced by C.
Protein change: p.Ile1972Thr; replaces isoleucine 1972 with threonine.
Molecular consequence: missense variant.
Genome position (GRCh38, 1-based): chr22:25,952,368, T>C. VCF-style: chr22-25952368-T-C. GRCh37 (hg19) VCF-style: chr22-26348334-T-C.
Other names: c.5915T>C (NM_032608.6); c.5918T>C, p.Ile1973Thr (NM_001318245.2); short protein forms I1973T, I1972T.
Identifiers: ClinVar variation 1475479 (VCV001475479.10), dbSNP rs2146631078, ClinGen allele CA411008726.